The following is an entry in ClinVar:

ClinVar aggregate classification (germline): Uncertain significance (1 of 4 stars; one submission).

Conditions:
Progressive sclerosing poliodystrophy (MTDPS4A). Also called: Mitochondrial DNA depletion syndrome 4A (Alpers type); ALPERS PROGRESSIVE INFANTILE POLIODYSTROPHY; NEURONAL DEGENERATION OF CHILDHOOD WITH LIVER DISEASE, PROGRESSIVE; Mitochondrial DNA Depletion Syndrome 4A; Alpers-Huttenlocher Syndrome (AHS); Alpers Syndrome. Identifiers: Orphanet 726, MedGen C0205710, MONDO:0008758, OMIM 203700.

gnomAD v4.1: 1 of 1,614,050 alleles (0.000062%); no homozygotes.

Submission:

Labcorp Genetics (formerly Invitae), Labcorp
Classification: Uncertain significance for Progressive sclerosing poliodystrophy. Last evaluated: 2024-03-04. Review status: criteria provided, single submitter. Criteria: Invitae Variant Classification Sherloc (09022015). Collection method: clinical testing. Allele origin: germline.
Comment: This sequence change replaces tryptophan, which is neutral and slightly polar, with arginine, which is basic and polar, at codon 688 of the POLG protein (p.Trp688Arg). This variant is not present in population databases (gnomAD no frequency). This variant has not been reported in the literature in individuals affected with POLG-related conditions. ClinVar contains an entry for this variant (Variation ID: 1493538). Advanced modeling of protein sequence and biophysical properties (such as structural, functional, and spatial information, amino acid conservation, physicochemical variation, residue mobility, and thermodynamic stability) performed at Invitae indicates that this missense variant is expected to disrupt POLG protein function with a positive predictive value of 95%. In summary, the available evidence is currently insufficient to determine the role of this variant in disease. Therefore, it has been classified as a Variant of Uncertain Significance.

NM_002693.3(POLG):c.2062T>C (p.Trp688Arg)

Gene: POLG (DNA polymerase gamma, catalytic subunit; minus strand). Cytogenetic location: 15q26.1.
Variant type: single nucleotide variant.
Coding change: c.2062T>C on transcript NM_002693.3 (MANE Select); coding-DNA position 2062, T replaced by C.
Protein change: p.Trp688Arg; replaces tryptophan 688 with arginine.
Molecular consequence: missense variant.
Genome position (GRCh38, 1-based): chr15:89,324,115, A>G on the plus strand (T>C on the coding strand, the complement: POLG is on the minus strand). VCF-style: chr15-89324115-A-G. GRCh37 (hg19) VCF-style: chr15-89867346-A-G.
Other names: c.2062T>C, p.Trp688Arg (NM_001126131.2); short protein forms W688R.
Identifiers: ClinVar variation 1493538 (VCV001493538.8), dbSNP rs2055437637, ClinGen allele CA393757428.